The following is an entry in ClinVar:

ClinVar aggregate classification (germline): Uncertain significance (1 of 4 stars; one submission).

Conditions:
Dyskeratosis congenita. Identifiers: Orphanet 1775, MedGen C0265965, MONDO:0015780.

Allele frequency attached by ClinVar (database versions not stated): gnomAD exomes below 0.00001; TOPMed below 0.00001; ExAC 0.00001.
gnomAD v4.1: 1 of 1,614,094 alleles (0.000062%); highest among the groups gnomAD compares: Non-Finnish European, 0.000085%; no homozygotes.

Submission:

Labcorp Genetics (formerly Invitae), Labcorp
Classification: Uncertain significance for Dyskeratosis congenita. Last evaluated: 2021-10-28. Review status: criteria provided, single submitter. Criteria: Invitae Variant Classification Sherloc (09022015). Collection method: clinical testing. Allele origin: germline.
Comment: This sequence change replaces serine, which is neutral and polar, with tyrosine, which is neutral and polar, at codon 894 of the CTC1 protein (p.Ser894Tyr). This variant is not present in population databases (gnomAD no frequency). In summary, the available evidence is currently insufficient to determine the role of this variant in disease. Therefore, it has been classified as a Variant of Uncertain Significance. Algorithms developed to predict the effect of missense changes on protein structure and function are either unavailable or do not agree on the potential impact of this missense change (SIFT: "Tolerated"; PolyPhen-2: "Probably Damaging"; Align-GVGD: "Class C0"). This variant has not been reported in the literature in individuals affected with CTC1-related conditions.

NM_025099.6(CTC1):c.2681C>A (p.Ser894Tyr)

Gene: CTC1 (CST telomere replication complex component 1; minus strand). Cytogenetic location: 17p13.1.
Variant type: single nucleotide variant.
Coding change: c.2681C>A on transcript NM_025099.6 (MANE Select); coding-DNA position 2681, C replaced by A.
Protein change: p.Ser894Tyr; replaces serine 894 with tyrosine.
Molecular consequence: missense variant. On other transcripts: non-coding transcript variant (1).
Genome position (GRCh38, 1-based): chr17:8,230,640, G>T on the plus strand (C>A on the coding strand, the complement: CTC1 is on the minus strand). VCF-style: chr17-8230640-G-T. GRCh37 (hg19) VCF-style: chr17-8133958-G-T.
Other names: short protein forms S894Y.
Identifiers: ClinVar variation 1465160 (VCV001465160.6), dbSNP rs754401174, ClinGen allele CA8372003.